The following is an entry in ClinVar:

ClinVar aggregate classification (germline): Uncertain significance. Review status: criteria provided, multiple submitters, no conflicts (2 of 4 stars). 2 submissions from 2 submitters: Uncertain significance (2). Last evaluated 2023-06-12.

Conditions:
Hereditary cancer-predisposing syndrome. Also called: Neoplastic Syndromes, Hereditary; Tumor predisposition; Hereditary neoplastic syndrome; Hereditary Cancer Syndrome. Identifiers: Orphanet 140162, MedGen C0027672, MeSH D009386, MONDO:0015356.

Submissions (2):

GeneDx
Classification: Uncertain significance. Last evaluated: 2023-06-12. Review status: criteria provided, single submitter. Criteria: GeneDx Variant Classification Process June 2021. Collection method: clinical testing. Allele origin: germline. Affected: yes.
Comment: Not observed at significant frequency in large population cohorts (gnomAD); In silico analysis supports that this variant does not alter splicing; Has not been previously published as pathogenic or benign to our knowledge

Ambry Genetics
Classification: Uncertain significance for Hereditary cancer-predisposing syndrome. Last evaluated: 2023-01-10. Review status: criteria provided, single submitter. Criteria: Ambry Variant Classification Scheme 2023. Collection method: clinical testing. Allele origin: germline.
Comment: The c.2253+4A>T intronic variant results from an A to T substitution 4 nucleotides after coding exon 15 in the MSH3 gene. This nucleotide position is well conserved in available vertebrate species. In silico splice site analysis for this alteration is inconclusive; however, direct evidence is insufficient at this time (Ambry internal data). Since supporting evidence is limited at this time, the clinical significance of this alteration remains unclear.

NM_002439.5(MSH3):c.2253+4A>T

Gene: MSH3 (mutS homolog 3; plus strand). Cytogenetic location: 5q14.1.
Variant type: single nucleotide variant.
Coding change: c.2253+4A>T on transcript NM_002439.5 (MANE Select); 4 bases into the intron after coding-DNA position 2253, A replaced by T.
Molecular consequence: intron variant.
Genome position (GRCh38, 1-based): chr5:80,769,007, A>T. VCF-style: chr5-80769007-A-T. GRCh37 (hg19) VCF-style: chr5-80064826-A-T.
Identifiers: ClinVar variation 2451056 (VCV002451056.3), dbSNP rs2546774355, ClinGen allele CA2580073547.